The following is an entry in ClinVar:

NM_000383.4(AIRE):c.1483C>T (p.Leu495=)

Gene: AIRE (autoimmune regulator; plus strand). Cytogenetic location: 21q22.3.
Variant type: single nucleotide variant.
Coding change: c.1483C>T on transcript NM_000383.4 (MANE Select); coding-DNA position 1483, C replaced by T.
Protein change: p.Leu495=; no amino-acid change (leucine 495 retained).
Molecular consequence: synonymous variant.
Genome position (GRCh38, 1-based): chr21:44,294,483, C>T. VCF-style: chr21-44294483-C-T. GRCh37 (hg19) VCF-style: chr21-45714366-C-T.
Identifiers: ClinVar variation 458616 (VCV000458616.20), dbSNP rs376909088, ClinGen allele CA10052146.
Genomic context (GRCh38, chr21:44,294,483, plus strand): 5'-TGCTCAGGAGACGTGACCCCAGCCCCTGTGGAGGGGGTGCTGGCCCCCAGCCCCGCCCGC[C>T]TGGCCCCTGGGCCTGCCAAGGTCAGTGCCGCAGGGGCCCTCCATGCATGCCGGTGCTGGG-3'
Protein context (NP_000374.1, residues 485-505): EGVLAPSPAR[Leu495=]APGPAKDDTA

ClinVar aggregate classification (germline): Benign/Likely benign. Review status: criteria provided, multiple submitters, no conflicts (2 of 4 stars). 5 submissions from 5 submitters: Benign (1); Likely benign (3). 1 of the submissions does not count toward it. Last evaluated 2026-01-20.

Conditions:
AIRE-related disorder. Also called: AIRE-related condition.
Polyglandular autoimmune syndrome, type 1 (APS1). Also called: Autoimmune polyendocrine syndrome type 1; Autoimmune polyendocrinopathy syndrome, type I; Autoimmune polyendocrinopathy syndrome , type I, with or without reversible metaphyseal dysplasia; HYPOADRENOCORTICISM WITH HYPOPARATHYROIDISM AND SUPERFICIAL MONILIASIS; AUTOIMMUNE POLYENDOCRINE SYNDROME, TYPE I, WITH OR WITHOUT REVERSIBLE METAPHYSEAL DYSPLASIA; APS I. Identifiers: Orphanet 3453, MedGen C0085859, MONDO:0009411, OMIM 240300.

Allele frequency attached by ClinVar (database versions not stated): gnomAD exomes 0.00010 and 0.00090; 1000 Genomes Project 0.00020; gnomAD 0.00024 and 0.00025; TOPMed 0.00034; 1000 Genomes Project 30x 0.00078; ExAC 0.00168.
gnomAD v4.1: 215 of 1,529,774 alleles (0.014%); highest among the groups gnomAD compares: East Asian, 0.4%; no homozygotes.

Submissions (5):

Labcorp Genetics (formerly Invitae), Labcorp
Classification: Benign for Polyglandular autoimmune syndrome, type 1. Last evaluated: 2026-01-20. Review status: criteria provided, single submitter. Criteria: Invitae Variant Classification Sherloc (09022015). Collection method: clinical testing. Allele origin: germline.

Blueprint Genetics
Classification: Likely benign. Last evaluated: 2024-10-07. Review status: criteria provided, single submitter. Criteria: ACMG Guidelines, 2015. Collection method: clinical testing. Allele origin: germline.

Genetic Services Laboratory, University of Chicago
Classification: Likely benign. Last evaluated: 2020-04-09. Review status: criteria provided, single submitter. Criteria: ACMG Guidelines, 2015. Collection method: clinical testing. Allele origin: germline. Affected: no.

GeneDx
Classification: Likely benign. Last evaluated: 2018-12-17. Review status: criteria provided, single submitter. Criteria: GeneDx Variant Classification Process June 2021. Collection method: clinical testing. Allele origin: germline. Affected: yes.

PreventionGenetics, part of Exact Sciences
Classification: Benign for AIRE-related condition. Last evaluated: 2019-08-14. Review status: no assertion criteria provided. Collection method: clinical testing. Allele origin: germline. Not counted in ClinVar's aggregate classification.
Comment: This variant is classified as benign based on ACMG/AMP sequence variant interpretation guidelines (Richards et al. 2015 PMID: 25741868, with internal and published modifications).